The following is an entry in ClinVar:

NM_001256071.3(RNF213):c.12341C>G (p.Thr4114Arg)

Genes: RNF213 (ring finger protein 213; plus strand), RNF213-AS1 (RNF213 antisense RNA 1; minus strand). Cytogenetic location: 17q25.3.
Variant type: single nucleotide variant.
Coding change: c.12341C>G on transcript NM_001256071.3 (MANE Select); coding-DNA position 12341, C replaced by G.
Protein change: p.Thr4114Arg; replaces threonine 4114 with arginine.
Molecular consequence: missense variant.
Genome position (GRCh38, 1-based): chr17:80,369,783, C>G. VCF-style: chr17-80369783-C-G. GRCh37 (hg19) VCF-style: chr17-78343583-C-G.
Other names: short protein forms T4114R.
Identifiers: ClinVar variation 1184842 (VCV001184842.5), dbSNP rs2079442813, ClinGen allele CA401409775.

ClinVar aggregate classification (germline): Conflicting classifications of pathogenicity. Review status: criteria provided, conflicting classifications (1 of 4 stars). 4 submissions from 4 submitters: Likely pathogenic (2); Uncertain significance (1). 1 of the submissions does not count toward it. Last evaluated 2025-07-01.

Conditions:
RNF213-related disorder. Also called: RNF213-related condition.
Moyamoya disease. Also called: Moyamoya syndrome. Identifiers: Orphanet 2573, MedGen C0026654, MeSH D009072, MONDO:0016820.
Moyamoya disease 2 (MYMY2). Also called: MOYAMOYA DISEASE 2, SUSCEPTIBILITY TO. Identifiers: Orphanet 2573, MedGen C1846689, MONDO:0011784, OMIM 607151.

Submissions (4):

Ozbek Human Genetics Laboratory, Izmir Biomedicine and Genome Center
Classification: Likely pathogenic for Moyamoya disease 2. Last evaluated: 2025-07-01. Review status: criteria provided, single submitter. Criteria: ACMG Guidelines, 2015. Collection method: research. Allele origin: de novo. Affected: yes. Observed: 1 variant allele, 1 heterozygote.
Comment: A heterozygous p.Thr4114Arg missense variant was detected in exon 46 of the RNF213 gene (NM_001256071.3). This variant is very rarely observed in population databases (PM2). The variant is located in a "mutational hot spot" region where pathogenic variants of the RNF213 gene are very frequently observed (PM1). The "RNF213:c.12341C>T p.(Thr4114Ile)" change located in the same region is classified as pathogenic (PM5). Based on this information, this variant is classified as a Likely Pathogenic variant according to ACMG criteria. The RNF213 gene is associated with "Moyamoya disease 2 (MIM: 607151)" in the OMIM database. Data obtained via the RAREBOOST project (Horizon 2020 ERA Chairs at Izmir Biomedicine and Genome Center - IBG)

Revvity Omics, Revvity
Classification: Uncertain significance. Last evaluated: 2020-02-06. Review status: criteria provided, single submitter. Criteria: ACMG Guidelines, 2015. Collection method: clinical testing. Allele origin: germline.

Blueprint Genetics
Classification: Likely pathogenic for RNF213-related disorders. Last evaluated: 2019-03-28. Review status: criteria provided, single submitter. Criteria: ACMG Guidelines, 2015. Collection method: clinical testing. Allele origin: de novo. Affected: yes. Observed: 1 variant allele.

University of Washington Center for Mendelian Genomics, University of Washington
Classification: Likely pathogenic for moyamoya disease. Review status: no assertion criteria provided. Collection method: research. Allele origin: de novo. Affected: yes. Not counted in ClinVar's aggregate classification.

Literature cited by the submitters: PubMed 33568546 (cited by University of Washington Center for Mendelian Genomics, University of Washington).